The following is an entry in ClinVar:

ClinVar aggregate classification (germline): Conflicting classifications of pathogenicity. Review status: criteria provided, conflicting classifications (1 of 4 stars). 3 submissions from 3 submitters: Likely pathogenic (1); Uncertain significance (2). Last evaluated 2018-11-29.

Conditions:
Hypertrophic cardiomyopathy. Also called: HYPERTROPHIC MYOCARDIOPATHY. Identifiers: Orphanet 217569, MedGen C0007194, MeSH D002312, MONDO:0005045, HP:0001639.

Submissions (3):

GeneDx
Classification: Likely pathogenic. Last evaluated: 2018-11-29. Review status: criteria provided, single submitter. Criteria: GeneDx Variant Classification (06012015). Collection method: clinical testing. Allele origin: germline. Affected: yes.
Comment: A A335P variant that is likely pathogenic was identified in the MYH7 gene. It has not been published as pathogenic or been reported as benign to our knowledge. However, this variant has been shown to segregate with disease in several family members referred to genetic testing at GeneDx The A335P variant is not observed in large population cohorts (Lek et al., 2016). The A335P variant is a semi-conservative amino acid substitution, which may impact secondary protein structure as these residues differ in some properties. In-silico analyses, including protein predictors and evolutionary conservation, support a deleterious effect. This variant is located in the myosin motor domain, a region enriched with missense variants reported in association with HCM (Walsh et al., 2017; Kelly et al., 2018). In summary, A335P in the MYH7 gene is interpreted as a likely pathogenic variant.

Labcorp Genetics (formerly Invitae), Labcorp
Classification: Uncertain significance for Hypertrophic cardiomyopathy. Last evaluated: 2018-07-10. Review status: criteria provided, single submitter. Criteria: Invitae Variant Classification Sherloc (09022015). Collection method: clinical testing. Allele origin: germline.
Comment: In summary, the available evidence is currently insufficient to determine the role of this variant in disease. Therefore, it has been classified as a Variant of Uncertain Significance. This variant is found within a region of MYH7 between codons 181 and 937 that contains the majority of the myosin head domain. Missense variants in this region have been shown to be significantly overrepresented in individuals with hypertrophic cardiomyopathy (PMID: 27532257). Algorithms developed to predict the effect of missense changes on protein structure and function are either unavailable or do not agree on the potential impact of this missense change (SIFT: "Deleterious"; PolyPhen-2: "Probably Damaging"; Align-GVGD: "Class C0"). This variant has not been reported in the literature in individuals with MYH7-related disease. ClinVar contains an entry for this variant (Variation ID: 393021). This variant is not present in population databases (ExAC no frequency). This sequence change replaces alanine with proline at codon 335 of the MYH7 protein (p.Ala335Pro). The alanine residue is highly conserved and there is a small physicochemical difference between alanine and proline.

Stanford Center for Inherited Cardiovascular Disease, Stanford University
Classification: Uncertain significance. Last evaluated: 2016-10-12. Review status: criteria provided, single submitter. Criteria: ACMG Guidelines, 2015. Collection method: provider interpretation. Allele origin: germline.

Literature cited by the submitters: PubMed 27532257 (cited by Labcorp Genetics (formerly Invitae), Labcorp).

NM_000257.4(MYH7):c.1003G>C (p.Ala335Pro)

Gene: MYH7 (myosin heavy chain 7; minus strand). Cytogenetic location: 14q11.2.
Variant type: single nucleotide variant.
Coding change: c.1003G>C on transcript NM_000257.4 (MANE Select); coding-DNA position 1003, G replaced by C.
Protein change: p.Ala335Pro; replaces alanine 335 with proline.
Molecular consequence: missense variant.
Genome position (GRCh38, 1-based): chr14:23,429,910, C>G on the plus strand (G>C on the coding strand, the complement: MYH7 is on the minus strand). VCF-style: chr14-23429910-C-G. GRCh37 (hg19) VCF-style: chr14-23899119-C-G.
Other names: c.1003G>C (LRG_384t1); short protein forms A335P.
Identifiers: ClinVar variation 393021 (VCV000393021.13), dbSNP rs727503272, ClinGen allele CA16606824.